The following is an entry in ClinVar:

NM_000384.3(APOB):c.7520A>G (p.His2507Arg)

Gene: APOB (apolipoprotein B; minus strand). Cytogenetic location: 2p24.1.
Variant type: single nucleotide variant.
Coding change: c.7520A>G on transcript NM_000384.3 (MANE Select); coding-DNA position 7520, A replaced by G.
Protein change: p.His2507Arg; replaces histidine 2507 with arginine.
Molecular consequence: missense variant.
Genome position (GRCh38, 1-based): chr2:21,009,348, T>C on the plus strand (A>G on the coding strand, the complement: APOB is on the minus strand). VCF-style: chr2-21009348-T-C. GRCh37 (hg19) VCF-style: chr2-21232220-T-C.
Other names: short protein forms H2507R.
Identifiers: ClinVar variation 630280 (VCV000630280.29), dbSNP rs766283781, ClinGen allele CA064468.

ClinVar aggregate classification (germline): Uncertain significance. Review status: criteria provided, multiple submitters, no conflicts (2 of 4 stars). 2 submissions from 2 submitters: Uncertain significance (2). Last evaluated 2023-09-01.

Conditions:
Cardiovascular phenotype. Identifiers: MedGen CN230736.

Allele frequency attached by ClinVar (database versions not stated): TOPMed below 0.00001.

Submissions (2):

CeGaT Center for Human Genetics Tuebingen
Classification: Uncertain significance. Last evaluated: 2023-09-01. Review status: criteria provided, single submitter. Criteria: CeGaT Center For Human Genetics Tuebingen Variant Classification Criteria Version 2. Collection method: clinical testing. Allele origin: germline. Affected: yes. Observed: 1 variant allele.
Comment: APOB: PM2, BP4

Ambry Genetics
Classification: Uncertain significance for Cardiovascular phenotype. Last evaluated: 2022-09-19. Review status: criteria provided, single submitter. Criteria: Ambry Variant Classification Scheme 2023. Collection method: clinical testing. Allele origin: germline.
Comment: The p.H2507R variant (also known as c.7520A>G), located in coding exon 26 of the APOB gene, results from an A to G substitution at nucleotide position 7520. The histidine at codon 2507 is replaced by arginine, an amino acid with highly similar properties. This amino acid position is conserved. In addition, this alteration is predicted to be tolerated by in silico analysis. Since supporting evidence is limited at this time, the clinical significance of this alteration remains unclear.